The following is an entry in ClinVar:

NM_017739.4(POMGNT1):c.1649+1G>C

Genes: TSPAN1 (tetraspanin 1; plus strand), POMGNT1 (protein O-linked mannose N-acetylglucosaminyltransferase 1 (beta 1,2-); minus strand). Cytogenetic location: 1p34.1.
Variant type: single nucleotide variant.
Coding change: c.1649+1G>C on transcript NM_017739.4 (MANE Select); the canonical splice donor site of the intron after coding-DNA position 1649, G replaced by C.
Molecular consequence: splice donor variant.
Genome position (GRCh38, 1-based): chr1:46,190,472, C>G on the plus strand (G>C on the coding strand, the complement: POMGNT1 is on the minus strand). VCF-style: chr1-46190472-C-G. GRCh37 (hg19) VCF-style: chr1-46656144-C-G.
Other names: c.1649+1G>C (NM_001243766.2, NM_001438686.1, NM_001438688.1 and 3 more transcripts); c.1583+1G>C (NM_001290129.3, NM_001438691.1, NM_001438692.1); c.1220+1G>C (NM_001290130.2).
Identifiers: ClinVar variation 4815899 (VCV004815899.1).
Genomic context (GRCh38, chr1:46,190,472, plus strand): 5'-CCAAGATCCCCAGTATTTGACTCTTTGCTCCCTGCTACACCCCAATTGTCCTAGGCCATA[C>G]CTGAGCAGCCTGTGAACTTCCACTTCATAAGCTTCTTTCTTCAGACTGAAGAGGAGGGAG-3'

ClinVar aggregate classification (germline): Likely pathogenic (1 of 4 stars; one submission).

Conditions:
Muscle eye brain disease (MEB). Also called: Santavuori congenital muscular dystrophy. Identifiers: Orphanet 588, Orphanet 899, MedGen C0457133, MONDO:0018939.

gnomAD v4.1: 1 of 1,595,528 alleles (0.000063%); highest among the groups gnomAD compares: Non-Finnish European, 0.000086%; no homozygotes.

Submission:

Natera, Inc.
Classification: Likely pathogenic for Muscle-eye-brain disease. Last evaluated: 2025-08-14. Review status: criteria provided, single submitter. Criteria: Natera Variant Classification Schema (03/2026). Collection method: clinical testing. Allele origin: germline.
Comment: The c.1649+1G>C variant in POMGNT1 is a canonical splice donor site variant predicted to affect pre-mRNA splicing, which may result in an abnormal transcript and altered protein product. This variant is expected to result in nonsense mediated decay, truncation, or a dysfunctional protein product. This variant is rare in the general population with a frequency below the threshold expected for the associated phenotype(s). Given the available evidence, this variant is classified as Likely Pathogenic.